The following is an entry in ClinVar:

ClinVar aggregate classification (germline): Pathogenic (1 of 4 stars; one submission).

Conditions:
Primary ciliary dyskinesia. Also called: Ciliary dyskinesia. Identifiers: Orphanet 244, MedGen C0008780, MONDO:0016575, HP:0012265.

Submission:

Labcorp Genetics (formerly Invitae), Labcorp
Classification: Pathogenic for Primary ciliary dyskinesia. Last evaluated: 2023-02-11. Review status: criteria provided, single submitter. Criteria: Invitae Variant Classification Sherloc (09022015). Collection method: clinical testing. Allele origin: germline.
Comment: For these reasons, this variant has been classified as Pathogenic. This variant has not been reported in the literature in individuals affected with DNAH5-related conditions. This variant is not present in population databases (gnomAD no frequency). This sequence change creates a premature translational stop signal (p.Glu1363*) in the DNAH5 gene. It is expected to result in an absent or disrupted protein product. Loss-of-function variants in DNAH5 are known to be pathogenic (PMID: 11788826, 16627867).

Literature cited by the submitters: PubMed 11788826; PubMed 16627867.

NM_001369.3(DNAH5):c.4087G>T (p.Glu1363Ter)

Genes: DNAH5 (dynein axonemal heavy chain 5; minus strand), DNAH5-AS1 (DNAH5 antisense RNA 1; plus strand). Cytogenetic location: 5p15.2.
Variant type: single nucleotide variant.
Coding change: c.4087G>T on transcript NM_001369.3 (MANE Select); coding-DNA position 4087, G replaced by T.
Protein change: p.Glu1363Ter; replaces glutamic acid 1363 with a stop codon.
Molecular consequence: nonsense.
Genome position (GRCh38, 1-based): chr5:13,866,249, C>A on the plus strand (G>T on the coding strand, the complement: DNAH5 is on the minus strand). VCF-style: chr5-13866249-C-A. GRCh37 (hg19) VCF-style: chr5-13866358-C-A.
Other names: short protein forms E1363*.
Identifiers: ClinVar variation 2836211 (VCV002836211.3), dbSNP rs776835054, ClinGen allele CA359226326.